The following is an entry in ClinVar:

ClinVar aggregate classification (germline): Benign. Review status: criteria provided, multiple submitters, no conflicts (2 of 4 stars). 5 submissions from 5 submitters: Benign (5). Last evaluated 2026-02-03.

Allele frequency attached by ClinVar (database versions not stated): gnomAD exomes 0.04087; TOPMed 0.04962; gnomAD 0.04971; 1000 Genomes Project 0.05371; ExAC 0.05394; 1000 Genomes Project 30x 0.05621.

Submissions (5):

Labcorp Genetics (formerly Invitae), Labcorp
Classification: Benign. Last evaluated: 2026-02-03. Review status: criteria provided, single submitter. Criteria: Invitae Variant Classification Sherloc (09022015). Collection method: clinical testing. Allele origin: germline.

Mayo Clinic Laboratories, Mayo Clinic
Classification: Benign. Last evaluated: 2021-01-07. Review status: criteria provided, single submitter. Criteria: ACMG Guidelines, 2015. Collection method: clinical testing. Allele origin: germline. Observed: 13 variant alleles.

GeneDx
Classification: Benign. Last evaluated: 2017-05-09. Review status: criteria provided, single submitter. Criteria: GeneDx Variant Classification (06012015). Collection method: clinical testing. Allele origin: germline. Affected: yes.
Comment: This variant is considered likely benign or benign based on one or more of the following criteria: it is a conservative change, it occurs at a poorly conserved position in the protein, it is predicted to be benign by multiple in silico algorithms, and/or has population frequency not consistent with disease.

Laboratory for Molecular Medicine, Mass General Brigham Personalized Medicine
Classification: Benign. Last evaluated: 2014-11-24. Review status: criteria provided, single submitter. Criteria: LMM Criteria. Collection method: clinical testing. Allele origin: germline. Observed: 75 variant alleles.
Comment: Thr659Met in exon 16 of OTOG: This variant is not expected to have clinical sign ificance because it has been identified in 10.3% (20/194) of Luhya (Kenyan) chro mosomes from a broad population by the 1000 Genomes Project (.; dbSNP rs7112749).

Breakthrough Genomics
Classification: Benign. Review status: criteria provided, single submitter. Criteria: ACMG Guidelines, 2015. Collection method: not provided. Allele origin: germline. Inheritance: Autosomal recessive inheritance. Affected: yes.

NM_001292063.2(OTOG):c.1940C>T (p.Thr647Met)

Gene: OTOG (otogelin; plus strand). Cytogenetic location: 11p15.1.
Variant type: single nucleotide variant.
Coding change: c.1940C>T on transcript NM_001292063.2 (MANE Select); coding-DNA position 1940, C replaced by T.
Protein change: p.Thr647Met; replaces threonine 647 with methionine.
Molecular consequence: missense variant.
Genome position (GRCh38, 1-based): chr11:17,570,375, C>T. VCF-style: chr11-17570375-C-T. GRCh37 (hg19) VCF-style: chr11-17591922-C-T.
Other names: c.1976C>T, p.Thr659Met (NM_001277269.2); short protein forms T659M, T647M.
Identifiers: ClinVar variation 226865 (VCV000226865.15), dbSNP rs7112749, ClinGen allele CA5905551.